The following is an entry in ClinVar:

ClinVar aggregate classification (germline): Uncertain significance (1 of 4 stars; one submission).

Conditions:
Charcot-Marie-Tooth disease type 2. Also called: Charcot-Marie-Tooth type 2. Identifiers: Orphanet 64746, MedGen C0270914, MONDO:0018993.

gnomAD v4.1: 2 of 1,614,176 alleles (0.00012%); highest among the groups gnomAD compares: African/African-American, 0.0013%; no homozygotes.

Submission:

Labcorp Genetics (formerly Invitae), Labcorp
Classification: Uncertain significance for Charcot-Marie-Tooth disease type 2. Last evaluated: 2025-02-09. Review status: criteria provided, single submitter. Criteria: Invitae Variant Classification Sherloc (09022015). Collection method: clinical testing. Allele origin: germline.
Comment: This sequence change falls in intron 42 of the KIF1B gene. It does not directly change the encoded amino acid sequence of the KIF1B protein. This variant is present in population databases (rs772856336, gnomAD 0.0009%). This variant has not been reported in the literature in individuals affected with KIF1B-related conditions. Algorithms developed to predict the effect of sequence changes on RNA splicing suggest that this variant may disrupt the consensus splice site. In summary, the available evidence is currently insufficient to determine the role of this variant in disease. Therefore, it has been classified as a Variant of Uncertain Significance.

NM_001365951.3(KIF1B):c.4825-10T>C

Gene: KIF1B (kinesin family member 1B; plus strand). Cytogenetic location: 1p36.22.
Variant type: single nucleotide variant.
Coding change: c.4825-10T>C on transcript NM_001365951.3 (MANE Select); 10 bases into the intron before coding-DNA position 4825, T replaced by C.
Molecular consequence: intron variant.
Genome position (GRCh38, 1-based): chr1:10,371,131, T>C. VCF-style: chr1-10371131-T-C. GRCh37 (hg19) VCF-style: chr1-10431189-T-C.
Other names: c.4687-10T>C (NM_015074.3); c.4825-10T>C (NM_001365952.1).
Identifiers: ClinVar variation 4743740 (VCV004743740.1).
Genomic context (GRCh38, chr1:10,371,131, plus strand): 5'-CTCCCTATTGTTACTGTAGAGGCAGCTTTTTTCAGCTGAATGTAACTTGTAGTGTTCGGT[T>C]TGCTTCCAGTTGTCTGATATCTCTCCAATTGGACGGGATCCCTCTGAGTCCAGTTTCAGC-3'